The following is an entry in ClinVar:

ClinVar aggregate classification (germline): Benign/Likely benign. Review status: criteria provided, multiple submitters, no conflicts (2 of 4 stars). 8 submissions from 8 submitters: Benign (1); Likely benign (7). Last evaluated 2025-08-10.

Conditions:
Hereditary nonpolyposis colorectal neoplasms. Identifiers: MedGen C0009405, MeSH D003123.
Hereditary cancer-predisposing syndrome. Also called: Hereditary neoplastic syndrome; Neoplastic Syndromes, Hereditary; Tumor predisposition; Hereditary Cancer Syndrome. Identifiers: Orphanet 140162, MedGen C0027672, MeSH D009386, MONDO:0015356.
Lynch syndrome. Identifiers: Orphanet 144, MedGen C4552100, MONDO:0005835. Disease mechanism: loss of function.
Lynch syndrome 5 (LYNCH5). Also called: Hereditary non-polyposis colorectal cancer, type 5; Colorectal cancer, hereditary nonpolyposis, type 5. Identifiers: Orphanet 144, MedGen C1833477, MONDO:0013710, OMIM 614350. Disease mechanism: loss of function.

Allele frequency attached by ClinVar (database versions not stated): gnomAD exomes below 0.00001; gnomAD 0.00001; TOPMed 0.00001.
gnomAD v4.1: 2 of 1,432,316 alleles (0.00014%); highest among the groups gnomAD compares: Admixed American, 0.006%; no homozygotes.

Submissions (8):

Labcorp Genetics (formerly Invitae), Labcorp
Classification: Likely benign for Hereditary nonpolyposis colorectal neoplasms. Last evaluated: 2025-08-10. Review status: criteria provided, single submitter. Criteria: Invitae Variant Classification Sherloc (09022015). Collection method: clinical testing. Allele origin: germline.

Myriad Genetics, Inc.
Classification: Benign for Lynch syndrome 5. Last evaluated: 2024-12-17. Review status: criteria provided, single submitter. Criteria: Myriad Autosomal Dominant, Autosomal Recessive and X-Linked Classification Criteria (2023). Collection method: clinical testing. Allele origin: unknown.
Comment: This variant is considered benign. This variant is a silent/synonymous amino acid change and it is not expected to impact splicing.

All of Us Research Program, National Institutes of Health
Classification: Likely benign for Lynch syndrome. Last evaluated: 2023-12-18. Review status: criteria provided, single submitter. Criteria: ACMG Guidelines, 2015. Collection method: clinical testing. Allele origin: germline. Inheritance: Autosomal dominant inheritance. Observed: 1 variant allele, 1 heterozygote.
Comment: This study involves interpretation of variants in research participants for the purpose of population health screening. Participant phenotype was not available at the time of variant classification. Additional details can be found in publication PMID: 35346344, PMCID: PMC8962531

Women's Health and Genetics/Laboratory Corporation of America, LabCorp
Classification: Likely benign. Last evaluated: 2021-07-26. Review status: criteria provided, single submitter. Criteria: LabCorp Variant Classification Summary - May 2015. Collection method: clinical testing. Allele origin: germline.

GeneDx
Classification: Likely benign. Last evaluated: 2020-03-23. Review status: criteria provided, single submitter. Criteria: GeneDx Variant Classification Process June 2021. Collection method: clinical testing. Allele origin: germline. Affected: yes.

Color Diagnostics, LLC DBA Color Health
Classification: Likely benign for Hereditary cancer-predisposing syndrome. Last evaluated: 2018-04-09. Review status: criteria provided, single submitter. Criteria: ACMG Guidelines, 2015. Collection method: clinical testing. Allele origin: germline.

Quest Diagnostics Nichols Institute San Juan Capistrano
Classification: Likely benign. Last evaluated: 2017-02-23. Review status: criteria provided, single submitter. Criteria: Quest Diagnostics criteria. Collection method: clinical testing. Allele origin: germline.

Ambry Genetics
Classification: Likely benign for Hereditary cancer-predisposing syndrome. Last evaluated: 2014-10-24. Review status: criteria provided, single submitter. Criteria: Ambry Variant Classification Scheme 2023. Collection method: clinical testing. Allele origin: germline.

NM_000179.3(MSH6):c.246T>C (p.Pro82=)

Genes: MSH6 (mutS homolog 6; plus strand), LOC129933707 (ATAC-STARR-seq lymphoblastoid silent region 11468; plus strand). Cytogenetic location: 2p16.3.
Variant type: single nucleotide variant.
Coding change: c.246T>C on transcript NM_000179.3 (MANE Select); coding-DNA position 246, T replaced by C.
Protein change: p.Pro82=; no amino-acid change (proline 82 retained).
Molecular consequence: synonymous variant. On other transcripts: 5 prime UTR variant (1), intron variant (1).
Genome position (GRCh38, 1-based): chr2:47,783,479, T>C. VCF-style: chr2-47783479-T-C. GRCh37 (hg19) VCF-style: chr2-48010618-T-C.
Other names: c.-491T>C (NM_001281493.2); c.237+9T>C (NM_001281492.2).
Identifiers: ClinVar variation 184546 (VCV000184546.23), dbSNP rs786201527, ClinGen allele CA010289.
Genomic context (GRCh38, chr2:47,783,479, plus strand): 5'-CTCCGCGTCACCGCCCAAGGCGAAGAACCTCAACGGAGGGCTGCGGAGATCGGTAGCGCC[T>C]GCTGCCCCCACCAGGTAGCGGGGTGGGGGTGGGGTCGAAGGCGGGGGCATAGCGGCGGGG-3'
Protein context (NP_000170.1, residues 72-92): LNGGLRRSVA[Pro82=]AAPTSCDFSP